The following is an entry in ClinVar:

ClinVar aggregate classification (germline): Uncertain significance. Review status: criteria provided, multiple submitters, no conflicts (2 of 4 stars). 2 submissions from 2 submitters: Uncertain significance (2). Last evaluated 2023-06-05.

Conditions:
Charcot-Marie-Tooth disease type 2. Also called: Charcot-Marie-Tooth type 2. Identifiers: Orphanet 64746, MedGen C0270914, MONDO:0018993.

Submissions (2):

Labcorp Genetics (formerly Invitae), Labcorp
Classification: Uncertain significance for Charcot-Marie-Tooth disease type 2. Last evaluated: 2023-06-05. Review status: criteria provided, single submitter. Criteria: Invitae Variant Classification Sherloc (09022015). Collection method: clinical testing. Allele origin: germline.
Comment: Advanced modeling of protein sequence and biophysical properties (such as structural, functional, and spatial information, amino acid conservation, physicochemical variation, residue mobility, and thermodynamic stability) performed at Invitae indicates that this missense variant is expected to disrupt MFN2 protein function. In summary, the available evidence is currently insufficient to determine the role of this variant in disease. Therefore, it has been classified as a Variant of Uncertain Significance. This variant has not been reported in the literature in individuals affected with MFN2-related conditions. This variant is not present in population databases (gnomAD no frequency). ClinVar contains an entry for this variant (Variation ID: 245784). This sequence change replaces valine, which is neutral and non-polar, with alanine, which is neutral and non-polar, at codon 703 of the MFN2 protein (p.Val703Ala).

GeneDx
Classification: Uncertain significance. Last evaluated: 2015-06-04. Review status: criteria provided, single submitter. Criteria: GeneDx Variant Classification (06012015). Collection method: clinical testing. Allele origin: germline. Affected: yes.
Comment: The V703A variant has not been published as pathogenic, nor has it been reported as a benign polymorphism to our knowledge. The V703A variant was not observed in approximately 6500 individuals of European and African American ancestry in the NHLBI Exome Sequencing Project, indicating it is not a common benign variant in these populations. The V703A variant is a conservative amino acid substitution, which is not likely to impact secondary protein structure as these residues share similar properties. This substitution occurs at a position that is conserved across species. In silico analysis is inconsistent in its predictions as to whether or not the variant is damaging to the protein structure/function. Missense variants in nearby residues (V705I, T706P, R707W, R707P, L710P) have been reported in the Human Gene Mutation Database in association with MFN2-related disorders (Stenson et al., 2014), supporting the functional importance of this region of the protein. Therefore, based on the currently available information, it is unclear whether this variant is a pathogenic variant or a rare benign variant.

NM_014874.4(MFN2):c.2108T>C (p.Val703Ala)

Gene: MFN2 (mitofusin 2; plus strand). Cytogenetic location: 1p36.22.
Variant type: single nucleotide variant.
Coding change: c.2108T>C on transcript NM_014874.4 (MANE Select); coding-DNA position 2108, T replaced by C.
Protein change: p.Val703Ala; replaces valine 703 with alanine.
Molecular consequence: missense variant.
Genome position (GRCh38, 1-based): chr1:12,009,630, T>C. VCF-style: chr1-12009630-T-C. GRCh37 (hg19) VCF-style: chr1-12069687-T-C.
Other names: c.2108T>C, p.Val703Ala (NM_001127660.2); short protein forms V703A.
Identifiers: ClinVar variation 245784 (VCV000245784.5), dbSNP rs879253944, ClinGen allele CA10584107.